The following is an entry in ClinVar:

ClinVar aggregate classification (germline): Benign/Likely benign. Review status: criteria provided, multiple submitters, no conflicts (2 of 4 stars). 11 submissions from 11 submitters: Benign (3); Likely benign (6). 2 of the submissions do not count toward it. Last evaluated 2026-09-01.

Conditions:
CFHR5 deficiency. Identifiers: MedGen C3553720.
Kidney disorder. Also called: Kidney disease; Kidney Diseases; Nephropathy; renal disease; renal disorder. Identifiers: MedGen C0022658, MONDO:0005240, HP:0000112.
CFH-Related Dense Deposit Disease / Membranoproliferative Glomerulonephritis Type II. Identifiers: MedGen CN071292.

Allele frequency attached by ClinVar (database versions not stated): 1000 Genomes Project 0.00220; 1000 Genomes Project 30x 0.00265; ExAC 0.00280; ESP Exome Variant Server 0.00284; gnomAD exomes 0.00317 and 0.00450; TOPMed 0.00318; gnomAD 0.00368 and 0.00378.
gnomAD v4.1: 7,046 of 1,601,726 alleles (0.44%); highest among the groups gnomAD compares: Non-Finnish European, 0.51%; 20 homozygotes.

Submissions (11):

CeGaT Center for Human Genetics Tuebingen
Classification: Likely benign. Last evaluated: 2026-09-01. Review status: criteria provided, single submitter. Criteria: CeGaT Center For Human Genetics Tuebingen Variant Classification Criteria Version 2. Collection method: clinical testing. Allele origin: germline. Affected: yes. Observed: 1 variant allele.
Comment: CFHR5: BP4, BS2

Labcorp Genetics (formerly Invitae), Labcorp
Classification: Benign. Last evaluated: 2025-12-16. Review status: criteria provided, single submitter. Criteria: Invitae Variant Classification Sherloc (09022015). Collection method: clinical testing. Allele origin: germline.

Mayo Clinic Laboratories, Mayo Clinic
Classification: Likely benign. Last evaluated: 2025-06-04. Review status: criteria provided, single submitter. Criteria: ACMG Guidelines, 2015. Collection method: clinical testing. Allele origin: germline. Observed: 6 variant alleles.
Comment: BP4, BP7

Blueprint Genetics
Classification: Likely benign. Last evaluated: 2024-11-26. Review status: criteria provided, single submitter. Criteria: ACMG Guidelines, 2015. Collection method: clinical testing. Allele origin: germline.

Genome-Nilou Lab
Classification: Likely benign for C3 glomerulonephritis. Last evaluated: 2023-04-11. Review status: criteria provided, single submitter. Criteria: ACMG Guidelines, 2015. Collection method: clinical testing. Allele origin: germline. Affected: no.

Genetic Services Laboratory, University of Chicago
Classification: Benign. Last evaluated: 2020-03-06. Review status: criteria provided, single submitter. Criteria: ACMG Guidelines, 2015. Collection method: clinical testing. Allele origin: germline. Affected: no.

Genome Diagnostics Laboratory, The Hospital for Sick Children
Classification: Likely benign for Kidney disorder. Last evaluated: 2017-11-01. Review status: criteria provided, single submitter. Criteria: ACMG Guidelines, 2015. Collection method: clinical testing. Allele origin: germline.

Institute for Genomic Medicine (IGM) Clinical Laboratory, Nationwide Children's Hospital
Classification: Likely benign. Last evaluated: 2017-07-17. Review status: criteria provided, single submitter. Criteria: ACMG Guidelines, 2015. Collection method: clinical testing. Allele origin: germline.
Comment: BS1, BP4; This alteration has an allele frequency that is greater than expected for the associated disease, and is predicted to be tolerated by multiple functional prediction tools.

Illumina Laboratory Services, Illumina
Classification: Benign for Membranoproliferative glomerulonephritis with complement factor h deficiency. Last evaluated: 2017-04-27. Review status: criteria provided, single submitter. Criteria: ICSL Variant Classification Criteria 13 December 2019. Collection method: clinical testing. Allele origin: germline.
Comment: This variant was observed as part of a predisposition screen in an ostensibly healthy population. A literature search was performed for the gene, cDNA change, and amino acid change (where applicable). Publications were found based on this search. The evidence from the literature, in combination with allele frequency data from public databases where available, was sufficient to rule this variant out of causing disease. Therefore, this variant is classified as benign.

Clinical Genetics DNA and cytogenetics Diagnostics Lab, Erasmus MC, Erasmus Medical Center
Classification: Likely benign. Review status: no assertion criteria provided. Collection method: clinical testing. Allele origin: germline. Affected: yes. Study: VKGL Data-share Consensus. Not counted in ClinVar's aggregate classification.

Joint Genome Diagnostic Labs from Nijmegen and Maastricht, Radboudumc and MUMC+
Classification: Likely benign. Review status: no assertion criteria provided. Collection method: clinical testing. Allele origin: germline. Affected: yes. Study: VKGL Data-share Consensus. Not counted in ClinVar's aggregate classification.

Literature cited by the submitters: PubMed 36938079 (cited by Mayo Clinic Laboratories, Mayo Clinic); PubMed 22622361 (cited by Illumina Laboratory Services, Illumina).

NM_030787.4(CFHR5):c.254-5C>T

Gene: CFHR5 (complement factor H related 5; plus strand). Cytogenetic location: 1q31.3.
Variant type: single nucleotide variant.
Coding change: c.254-5C>T on transcript NM_030787.4 (MANE Select); 5 bases into the intron before coding-DNA position 254, C replaced by T.
Molecular consequence: intron variant.
Genome position (GRCh38, 1-based): chr1:196,983,956, C>T. VCF-style: chr1-196983956-C-T. GRCh37 (hg19) VCF-style: chr1-196953086-C-T.
Other names: p.?.
Identifiers: ClinVar variation 599457 (VCV000599457.30), dbSNP rs185709089, ClinGen allele CA1307685.